The following is an entry in ClinVar:

ClinVar aggregate classification (germline): Conflicting classifications of pathogenicity. Review status: criteria provided, conflicting classifications (1 of 4 stars). 2 submissions from 2 submitters: Uncertain significance (1); Benign (1). Last evaluated 2026-07-10.

Conditions:
RNF213-related disorder. Also called: RNF213-related condition.

Allele frequency attached by ClinVar (database versions not stated): gnomAD exomes 0.00022 and 0.00049; ExAC 0.00062; ESP Exome Variant Server 0.00115; 1000 Genomes Project 0.00160; gnomAD 0.00195 and 0.00216; 1000 Genomes Project 30x 0.00203; TOPMed 0.00219.
gnomAD v4.1: 589 of 1,416,570 alleles (0.042%); highest among the groups gnomAD compares: African/African-American, 0.63%; 3 homozygotes.

Submissions (6):

PreventionGenetics, part of Exact Sciences
Classification: Uncertain significance for RNF213-related condition. Last evaluated: 2026-07-10. Review status: criteria provided, single submitter. Criteria: ACMG Guidelines, 2015. Collection method: clinical testing. Allele origin: germline.
Comment: The RNF213 c.10185-2A>G variant is predicted to disrupt the AG splice acceptor site and interfere with normal splicing. To our knowledge, this variant has not been reported in the literature. This variant is reported in 0.61% of alleles in individuals of African descent in gnomAD. At this time, the clinical significance of this variant is uncertain due to the absence of conclusive functional and genetic evidence.

Labcorp Genetics (formerly Invitae), Labcorp
Classification: Benign. Last evaluated: 2025-12-21. Review status: criteria provided, single submitter. Criteria: Invitae Variant Classification Sherloc (09022015). Collection method: clinical testing. Allele origin: germline.

Dr. Peter K. Rogan Lab, Western University
No classification provided (evidence only). Condition: Papillary renal cell carcinoma type 1. Review status: no classification provided. Collection method: in vitro. Allele origin: not applicable. Functional consequence: retained intron. Not counted in ClinVar's aggregate classification.

Dr. Peter K. Rogan Lab, Western University
No classification provided (evidence only). Condition: Lung cancer. Review status: no classification provided. Collection method: in vitro. Allele origin: not applicable. Functional consequence: skipped exon, retained intron. Not counted in ClinVar's aggregate classification.

Dr. Peter K. Rogan Lab, Western University
No classification provided (evidence only). Condition: Familial cancer of breast. Review status: no classification provided. Collection method: in vitro. Allele origin: not applicable. Functional consequence: skipped exon, retained intron. Not counted in ClinVar's aggregate classification.

Dr. Peter K. Rogan Lab, Western University
No classification provided (evidence only). Condition: Uterine corpus endometrial carcinoma. Review status: no classification provided. Collection method: in vitro. Allele origin: not applicable. Functional consequence: retained intron. Not counted in ClinVar's aggregate classification.

NM_001256071.3(RNF213):c.10185-2A>G

Gene: RNF213 (ring finger protein 213; plus strand). Cytogenetic location: 17q25.3.
Variant type: single nucleotide variant.
Coding change: c.10185-2A>G on transcript NM_001256071.3 (MANE Select); the canonical splice acceptor site of the intron before coding-DNA position 10185, A replaced by G.
Molecular consequence: splice acceptor variant.
Genome position (GRCh38, 1-based): chr17:80,351,683, A>G. VCF-style: chr17-80351683-A-G. GRCh37 (hg19) VCF-style: chr17-78325483-A-G.
Other names: c.10332-2A>G (NM_020914.5, NM_001410195.1).
Identifiers: ClinVar variation 716234 (VCV000716234.8), dbSNP rs114046339, ClinGen allele CA8821349.
Genomic context (GRCh38, chr17:80,351,683, plus strand): 5'-TGCTTGTTTTTGTGTGTGTGTTTGTTTTTAAAATAGGTATTCTTTTTTTTTTCTTTAAAT[A>G]GGTATTCTGTTATAAATGAAATCAACAAAATACGAGAAAATGAGGACCGTATCTTCGTCT-3'